The following is an entry in ClinVar:

NM_000059.4(BRCA2):c.7355A>T (p.Asn2452Ile)

Gene: BRCA2 (BRCA2 DNA repair associated; plus strand). Cytogenetic location: 13q13.1.
Variant type: single nucleotide variant.
Coding change: c.7355A>T on transcript NM_000059.4 (MANE Select); coding-DNA position 7355, A replaced by T.
Protein change: p.Asn2452Ile; replaces asparagine 2452 with isoleucine.
Molecular consequence: missense variant. On other transcripts: non-coding transcript variant (1).
Genome position (GRCh38, 1-based): chr13:32,355,208, A>T. VCF-style: chr13-32355208-A-T. GRCh37 (hg19) VCF-style: chr13-32929345-A-T.
Other names: c.7259A>T, p.Asn2420Ile (NM_001406719.1); c.7355A>T, p.Asn2452Ile (NM_001406720.1); c.2423A>T, p.Asn808Ile (NM_001406721.1); c.938A>T, p.Asn313Ile (NM_001406722.1); short protein forms N2420I, N2452I, N313I, N808I.
Identifiers: ClinVar variation 2814990 (VCV002814990.3), dbSNP rs398122581, ClinGen allele CA387741394.

ClinVar aggregate classification (germline): Uncertain significance (1 of 4 stars; one submission).

Conditions:
Hereditary breast ovarian cancer syndrome. Also called: Hereditary breast and ovarian cancer; BRCA1- and BRCA2-Associated Hereditary Breast and Ovarian Cancer; Hereditary breast and ovarian cancer syndrome; Breast and ovarian cancer; Hereditary breast and ovarian cancer syndrome (HBOC); Hereditary breast and/or ovarian cancer syndrome. Identifiers: Orphanet 145, MedGen C0677776, MeSH D061325, MONDO:0003582. Disease mechanism: loss of function.

Submission:

Labcorp Genetics (formerly Invitae), Labcorp
Classification: Uncertain significance for Hereditary breast ovarian cancer syndrome. Last evaluated: 2022-11-18. Review status: criteria provided, single submitter. Criteria: Invitae Variant Classification Sherloc (09022015). Collection method: clinical testing. Allele origin: germline.
Comment: In summary, the available evidence is currently insufficient to determine the role of this variant in disease. Therefore, it has been classified as a Variant of Uncertain Significance. Advanced modeling of protein sequence and biophysical properties (such as structural, functional, and spatial information, amino acid conservation, physicochemical variation, residue mobility, and thermodynamic stability) performed at Invitae indicates that this missense variant is not expected to disrupt BRCA2 protein function. This variant has not been reported in the literature in individuals affected with BRCA2-related conditions. This variant is not present in population databases (gnomAD no frequency). This sequence change replaces asparagine, which is neutral and polar, with isoleucine, which is neutral and non-polar, at codon 2452 of the BRCA2 protein (p.Asn2452Ile).